The following is an entry in ClinVar:

ClinVar aggregate classification (germline): Uncertain significance (1 of 4 stars; one submission).

Conditions:
Hereditary cancer-predisposing syndrome. Also called: Hereditary Cancer Syndrome; Hereditary neoplastic syndrome; Neoplastic Syndromes, Hereditary; Tumor predisposition. Identifiers: Orphanet 140162, MedGen C0027672, MeSH D009386, MONDO:0015356.

Submission:

Ambry Genetics
Classification: Uncertain significance for Hereditary cancer-predisposing syndrome. Last evaluated: 2015-09-28. Review status: criteria provided, single submitter. Criteria: Ambry Variant Classification Scheme 2023. Collection method: clinical testing. Allele origin: germline.
Comment: The p.D1538E variant (also known as c.4614C>A), located in coding exon 31 of the SMARCA4 gene, results from a C to A substitution at nucleotide position 4614. The aspartic acid at codon 1538 is replaced by glutamic acid, an amino acid with highly similar properties. This variant was not reported in population based cohorts in the following databases: Database of Single Nucleotide Polymorphisms (dbSNP), NHLBI Exome Sequencing Project (ESP), and 1000 Genomes Project. In the ESP, this variant was not observed in 6503 samples (13006 alleles) with coverage at this position. This amino acid position is highly conserved in available vertebrate species. In addition, the in silico prediction for this alteration is inconclusive. Since supporting evidence is limited at this time, the clinical significance of p.D1538E remains unclear.

NM_003072.5(SMARCA4):c.4518C>A (p.Asp1506Glu)

Gene: SMARCA4 (SWI/SNF related BAF chromatin remodeling complex subunit ATPase 4; plus strand). Cytogenetic location: 19p13.2.
Variant type: single nucleotide variant.
Coding change: c.4518C>A on transcript NM_003072.5 (MANE Select); coding-DNA position 4518, C replaced by A.
Protein change: p.Asp1506Glu; replaces aspartic acid 1506 with glutamic acid.
Molecular consequence: missense variant. On other transcripts: non-coding transcript variant (1).
Genome position (GRCh38, 1-based): chr19:11,058,348, C>A. VCF-style: chr19-11058348-C-A. GRCh37 (hg19) VCF-style: chr19-11169024-C-A.
Other names: c.4515C>A, p.Asp1505Glu (NM_001411150.1); c.4518C>A, p.Asp1506Glu (NM_001128844.3); c.4428C>A, p.Asp1476Glu (NM_001128845.2); c.4425C>A, p.Asp1475Glu (NM_001128846.2); c.4419C>A, p.Asp1473Glu (NM_001128847.4, NM_001374457.1); c.4416C>A, p.Asp1472Glu (NM_001128848.2); c.4614C>A, p.Asp1538Glu (NM_001128849.3, NM_001387283.1); short protein forms D1473E, D1505E, D1506E, D1472E, D1475E, D1538E, D1476E.
Identifiers: ClinVar variation 1741914 (VCV001741914.2), dbSNP rs774391397, ClinGen allele CA404077899.
Genomic context (GRCh38, chr19:11,058,348, plus strand): 5'-CCAGCTGCCCTCGCGAAAGGAGCTGCCCGAGTACTACGAGCTCATCCGCAAGCCCGTGGA[C>A]TTCAAGAAGATAAAGGTAACCCTGACGTTGTACCTGCGCCCCGCATGTGCCCGGAGGGGA-3'
Protein context (NP_003063.2, residues 1496-1516): EYYELIRKPV[Asp1506Glu]FKKIKERIRN